The following is an entry in ClinVar:

NM_144599.5(NIPA1):c.*4933C>T

Gene: NIPA1 (NIPA magnesium transporter 1; plus strand). Cytogenetic location: 15q11.2.
Variant type: single nucleotide variant.
Coding change: c.*4933C>T on transcript NM_144599.5 (MANE Select); 4933 bases downstream of the stop codon, C replaced by T.
Molecular consequence: 3 prime UTR variant.
Genome position (GRCh38, 1-based): chr15:22,829,172, C>T. VCF-style: chr15-22829172-C-T. GRCh37 (hg19) VCF-style: chr15-23043896-G-A.
Other names: c.*4933C>T (NM_001142275.1).
Identifiers: ClinVar variation 315341 (VCV000315341.6), dbSNP rs7181789, ClinGen allele CA10635712.

ClinVar aggregate classification (germline): Benign. Review status: criteria provided, multiple submitters, no conflicts (2 of 4 stars). 2 submissions from 2 submitters: Benign (2). Last evaluated 2018-01-13.

Conditions:
Hereditary spastic paraplegia 6 (SPG6). Also called: SPASTIC PARAPLEGIA 6, AUTOSOMAL DOMINANT. Identifiers: Orphanet 100988, MedGen C1838192, MONDO:0010878, OMIM 600363.

Allele frequency attached by ClinVar (database versions not stated): gnomAD 0.57163 and 0.57025; gnomAD exomes 0.66667; 1000 Genomes Project 0.55571; 1000 Genomes Project 30x 0.55809; TOPMed 0.56505.
gnomAD v4.1: 86,812 of 152,076 alleles (57%); highest among the groups gnomAD compares: South Asian, 60%; 24,932 homozygotes.

Submissions (2):

Illumina Laboratory Services, Illumina
Classification: Benign for Hereditary spastic paraplegia 6. Last evaluated: 2018-01-13. Review status: criteria provided, single submitter. Criteria: ICSL Variant Classification Criteria 13 December 2019. Collection method: clinical testing. Allele origin: germline.
Comment: This variant was observed in the ICSL laboratory as part of a predisposition screen in an ostensibly healthy population. It had not been previously curated by ICSL or reported in the Human Gene Mutation Database (HGMD: prior to June 1st, 2018), and was therefore a candidate for classification through an automated scoring system. Utilizing variant allele frequency, disease prevalence and penetrance estimates, and inheritance mode, an automated score was calculated to assess if this variant is too frequent to cause the disease. Based on the score and internal cut-off values, a variant classified as benign is not then subjected to further curation. The score for this variant resulted in a classification of benign for this disease.

Breakthrough Genomics
Classification: Benign. Review status: criteria provided, single submitter. Criteria: ACMG Guidelines, 2015. Collection method: not provided. Allele origin: germline. Inheritance: Autosomal dominant inheritance. Affected: yes.